The following is an entry in ClinVar:

NM_001170629.2(CHD8):c.6918C>A (p.His2306Gln)

Genes: CHD8 (chromodomain helicase DNA binding protein 8; minus strand), LOC126861888 (CDK7 strongly-dependent group 2 enhancer GRCh37_chr14:21859227-21860426; plus strand). Cytogenetic location: 14q11.2.
Variant type: single nucleotide variant.
Coding change: c.6918C>A on transcript NM_001170629.2 (MANE Select); coding-DNA position 6918, C replaced by A.
Protein change: p.His2306Gln; replaces histidine 2306 with glutamine.
Molecular consequence: missense variant.
Genome position (GRCh38, 1-based): chr14:21,391,610, G>T on the plus strand (C>A on the coding strand, the complement: CHD8 is on the minus strand). VCF-style: chr14-21391610-G-T. GRCh37 (hg19) VCF-style: chr14-21859769-G-T.
Other names: c.6081C>A, p.His2027Gln (NM_020920.4); short protein forms H2027Q, H2306Q.
Identifiers: ClinVar variation 5021024 (VCV005021024.1).

ClinVar aggregate classification (germline): Uncertain significance (1 of 4 stars; one submission).

Submission:

Dasa
Classification: Uncertain significance. Last evaluated: 2024-12-27. Review status: criteria provided, single submitter. Criteria: DASA Assertion Criteria. Collection method: clinical testing. Allele origin: germline.
Comment: NM_001170629.2(CHD8):c.6918C>A (p.His2306Gln) is a missense variant that results in the substitution of histidine with glutamine. This variant is absent from population databases. The currently available literature and clinical evidence are not sufficient to establish a definitive association between this variant and the reported condition. Therefore, this variant is classified as a variant of uncertain significance.